The following is an entry in ClinVar:

ClinVar aggregate classification (germline): Uncertain significance. Review status: criteria provided, single submitter (1 of 4 stars). 2 submissions from 2 submitters: Uncertain significance (1). 1 of the submissions does not count toward it. Last evaluated 2023-10-03.

Conditions:
RAI1-related disorder. Also called: RAI1-related condition.

Allele frequency attached by ClinVar (database versions not stated): gnomAD exomes 0.00001.

Submissions (2):

Labcorp Genetics (formerly Invitae), Labcorp
Classification: Uncertain significance. Last evaluated: 2023-10-03. Review status: criteria provided, single submitter. Criteria: Invitae Variant Classification Sherloc (09022015). Collection method: clinical testing. Allele origin: germline.
Comment: This sequence change replaces proline, which is neutral and non-polar, with arginine, which is basic and polar, at codon 881 of the RAI1 protein (p.Pro881Arg). This variant is not present in population databases (gnomAD no frequency). This variant has not been reported in the literature in individuals affected with RAI1-related conditions. ClinVar contains an entry for this variant (Variation ID: 1501704). An algorithm developed to predict the effect of missense changes on protein structure and function (PolyPhen-2) suggests that this variant is likely to be disruptive. In summary, the available evidence is currently insufficient to determine the role of this variant in disease. Therefore, it has been classified as a Variant of Uncertain Significance.

PreventionGenetics, part of Exact Sciences
Classification: Uncertain significance for RAI1-related condition. Last evaluated: 2024-05-30. Review status: no assertion criteria provided. Collection method: clinical testing. Allele origin: germline. Not counted in ClinVar's aggregate classification.
Comment: The RAI1 c.2642C>G variant is predicted to result in the amino acid substitution p.Pro881Arg. To our knowledge, this variant has not been reported in the literature or in a large population database, indicating this variant is rare. At this time, the clinical significance of this variant is uncertain due to the absence of conclusive functional and genetic evidence.

NM_030665.4(RAI1):c.2642C>G (p.Pro881Arg)

Gene: RAI1 (retinoic acid induced 1; plus strand). Cytogenetic location: 17p11.2.
Variant type: single nucleotide variant.
Coding change: c.2642C>G on transcript NM_030665.4 (MANE Select); coding-DNA position 2642, C replaced by G.
Protein change: p.Pro881Arg; replaces proline 881 with arginine.
Molecular consequence: missense variant.
Genome position (GRCh38, 1-based): chr17:17,795,590, C>G. VCF-style: chr17-17795590-C-G. GRCh37 (hg19) VCF-style: chr17-17698904-C-G.
Other names: c.2642C>G (NM_030665.3); short protein forms P881R.
Identifiers: ClinVar variation 1501704 (VCV001501704.10), dbSNP rs1567921404, ClinGen allele CA398551687.
Genomic context (GRCh38, chr17:17,795,590, plus strand): 5'-GGAAGGAGGACCTGGAAGCTGAGGAGGAGTACTCCTCCCTATGTGAGCTCCTGGGCAGCC[C>G]CGAGCAGAGGCCTGGCATGCAGGACCCGCTGTCACCCAAGGCCCCACTCATCTGCACCAA-3'
Protein context (NP_109590.3, residues 871-891): YSSLCELLGS[Pro881Arg]EQRPGMQDPL